The following is an entry in ClinVar:

NM_000284.4(PDHA1):c.542G>A (p.Cys181Tyr)

Gene: PDHA1 (pyruvate dehydrogenase E1 subunit alpha 1; plus strand). Cytogenetic location: Xp22.12.
Variant type: single nucleotide variant.
Coding change: c.542G>A on transcript NM_000284.4 (MANE Select); coding-DNA position 542, G replaced by A.
Protein change: p.Cys181Tyr; replaces cysteine 181 with tyrosine.
Molecular consequence: missense variant. On other transcripts: intron variant (1).
Genome position (GRCh38, 1-based): chrX:19,354,522, G>A. VCF-style: chrX-19354522-G-A. GRCh37 (hg19) VCF-style: chrX-19372640-G-A.
Other names: c.656G>A, p.Cys219Tyr (NM_001173454.2); c.563G>A, p.Cys188Tyr (NM_001173455.2); c.511-827G>A (NM_001173456.2); short protein forms C181Y, C188Y, C219Y.
Identifiers: ClinVar variation 4070503 (VCV004070503.1).

ClinVar aggregate classification (germline): Pathogenic (0 of 4 stars; one submission).

Conditions:
Pyruvate dehydrogenase E1-alpha deficiency (PDHAD). Also called: ATAXIA, INTERMITTENT, WITH PYRUVATE DEHYDROGENASE DEFICIENCY; ATAXIA WITH LACTIC ACIDOSIS I; ATAXIA, INTERMITTENT, WITH ABNORMAL PYRUVATE METABOLISM; Ataxia, intermittent, with pyruvate dehydrogenase, or decarboxylase, deficiency. Identifiers: Orphanet 79243, MedGen C1839413, MONDO:0010717, OMIM 312170.

Submission:

PDHA1 Study Group, University Children’s Hospital, Paracelsus Medical University
Classification: Pathogenic for Pyruvate dehydrogenase E1-alpha deficiency. Last evaluated: 2024-10-15. Review status: no assertion criteria provided. Collection method: research. Allele origin: de novo. Affected: yes. Observed: 2 variant alleles.
Comment: The NM_000284.3:c.542G>A (p.Cys181Tyr) substitution is a missense variant in PDHA1 gene. In total, 2 individuals were diagnosed with PDHA1-related Pyruvate dehydrogenase complex (PDHc) deficiency (MIM #312170). Among them, 1 case had confirmed de novo occurrence. This variant has been identified in 2 unpublished cases from internal data. Last literature search: July 12, 2024. This variant is absent or extremely rare in population-based cohorts in the Genome Aggregation Database (gnomAD). Individuals harboring this variant presented with clinical features compatible with PDHA1-related PDHc deficiency. In summary, this variant meets criteria to be classified as pathogenic (P) for PDHA1-related PDHc deficiency based on the ACMG/AMP criteria applied: PS2, PM1, PM2, PM7, PP3 (last assessment October 15, 2024).

Literature cited by the submitters: DOI 10.1093/brain/awaf430.